The following is an entry in ClinVar:

NC_012920.1(MT-TL1):m.3248G>A

Gene: MT-TL1 (mitochondrially encoded tRNA leucine 1 (UUA/G); plus strand).
Variant type: single nucleotide variant.
Genome position: chrM-3248-G-A.
Identifiers: ClinVar variation 689857 (VCV000689857.1), dbSNP rs879110136, ClinGen allele CA337096467.
Genomic context (GRCh38, chrMT:3,248, plus strand): 5'-TCAACTTAGTATTATACCCACACCCACCCAAGAACAGGGTTTGTTAAGATGGCAGAGCCC[G>A]GTAATCGCATAAAACTTAAAACTTTACAGTCAGAGGTTCAATTCCTCTTCTTAACAACAT-3'

ClinVar aggregate classification (germline): Uncertain significance (1 of 4 stars; one submission).

Conditions:
MELAS syndrome (MELAS). Also called: Juvenile myopathy, encephalopathy, lactic acidosis, stroke. Identifiers: Orphanet 550, MedGen C0162671, MONDO:0010789, OMIM 540000.

Submission:

Wong Mito Lab, Molecular and Human Genetics, Baylor College of Medicine
Classification: Uncertain significance for MELAS syndrome. Last evaluated: 2019-07-12. Review status: criteria provided, single submitter. Criteria: Modified ACMG Guidelines (Unpublished). Collection method: clinical testing. Allele origin: germline.
Comment: The NC_012920.1:m.3248G>A variant in MT-TL1 gene is interpreted to be a Unknown Significance variant based on the modified ACMG guidelines (unpublished). This variant meets the following evidence codes reported in the guidelines: BP4, PP6

Literature cited by the submitters: PubMed 31965079.